The following is an entry in ClinVar:

NM_024408.4(NOTCH2):c.6912dup (p.Val2305fs)

Gene: NOTCH2 (notch receptor 2; minus strand). Cytogenetic location: 1p12.
Variant type: Duplication.
Coding change: c.6912dup on transcript NM_024408.4 (MANE Select); coding-DNA position 6912, one base duplicated (T; older notation c.6912dupT).
Protein change: p.Val2305fs; shifts the reading frame from valine 2305.
Molecular consequence: frameshift variant.
Genome position (GRCh38, 1-based): chr1:119,915,810, A duplicated on the plus strand (T on the coding strand, the reverse complement: NOTCH2 is on the minus strand); the first of 2 consecutive A bases (chr1:119,915,810-119,915,811); duplicating either gives the same sequence. VCF-style (leftmost placement, unchanged base first): chr1-119915809-C-CA. GRCh37 (hg19) VCF-style: chr1-120458432-C-CA.
Other names: short protein forms V2305fs.
Identifiers: ClinVar variation 1381496 (VCV001381496.6), dbSNP rs2101142622, ClinGen allele CA2573130959.
Genomic context (GRCh38, chr1:119,915,809, plus strand): 5'-GAGGCTGGGGAGCCCCCGCTGGTTGGGCAATACTGCCTTTAGGGATGAGCTGGAAAGTCA[C>CA]AATGGGGGGCAAGGGCTCCCGAGGGGTGGTTATGTGCTTCCCTTCAGGTGGCCTGCTCTG-3'

ClinVar aggregate classification (germline): Likely pathogenic (1 of 4 stars; one submission).

Conditions:
Hajdu-Cheney syndrome (HJCYS). Also called: SERPENTINE FIBULA-POLYCYSTIC KIDNEY SYNDROME; Acroosteolysis dominant type; ACROOSTEOLYSIS WITH OSTEOPOROSIS AND CHANGES IN SKULL AND MANDIBLE. Identifiers: Orphanet 955, MedGen C0917715, MONDO:0007057, OMIM 102500.

Submission:

Labcorp Genetics (formerly Invitae), Labcorp
Classification: Likely pathogenic for Hajdu-Cheney syndrome. Last evaluated: 2023-02-27. Review status: criteria provided, single submitter. Criteria: Invitae Variant Classification Sherloc (09022015). Collection method: clinical testing. Allele origin: germline.
Comment: In summary, the currently available evidence indicates that the variant is pathogenic, but additional data are needed to prove that conclusively. Therefore, this variant has been classified as Likely Pathogenic. This protein change is located in a region of the NOTCH2 protein where a significant number of previously reported NOTCH2 nonsense and frameshift mutations are found (PMID: 21378985, 23389697, 26627824). ClinVar contains an entry for this variant (Variation ID: 1381496). This variant has not been reported in the literature in individuals affected with NOTCH2-related conditions. This variant is not present in population databases (gnomAD no frequency). This sequence change creates a premature translational stop signal (p.Val2305Cysfs*8) in the NOTCH2 gene. While this is not anticipated to result in nonsense mediated decay, it is expected to disrupt the last 167 amino acid(s) of the NOTCH2 protein.

Literature cited by the submitters: PubMed 21378985; PubMed 23389697; PubMed 26627824.